The following is an entry in ClinVar:

ClinVar aggregate classification (germline): Conflicting classifications of pathogenicity. Review status: criteria provided, conflicting classifications (1 of 4 stars). 5 submissions from 5 submitters: Pathogenic (2); Uncertain significance (1). 2 of the submissions do not count toward it. Last evaluated 2022-06-12.

Conditions:
Dyskeratosis congenita, autosomal dominant 2. Identifiers: MedGen C3151443, MONDO:0013521, OMIM 613989.
Idiopathic Pulmonary Fibrosis. Also called: Idiopathic fibrosing alveolitis, chronic form; idiopathic fibrosing alveolitis. Identifiers: Orphanet 2032, MedGen C1800706, MeSH D054990, MONDO:0800504.
Pulmonary fibrosis. Identifiers: MedGen C0034069, MONDO:0002771, HP:0002206.
Interstitial lung disease 2 (ILD2). Also called: Familial idiopathic pulmonary fibrosis; FIBROCYSTIC PULMONARY DYSPLASIA; FIBROSING ALVEOLITIS, CRYPTOGENIC. Identifiers: Orphanet 2032, Orphanet 79126, MedGen C5561926, MONDO:0800497, OMIM 178500, MONDO:0800029.

Submissions (5):

Labcorp Genetics (formerly Invitae), Labcorp
Classification: Uncertain significance for Dyskeratosis congenita, autosomal dominant 2; Idiopathic Pulmonary Fibrosis. Last evaluated: 2022-06-12. Review status: criteria provided, single submitter. Criteria: Invitae Variant Classification Sherloc (09022015). Collection method: clinical testing. Allele origin: germline.
Comment: In summary, the available evidence is currently insufficient to determine the role of this variant in disease. Therefore, it has been classified as a Variant of Uncertain Significance. Experimental studies have shown that this missense change affects TERT function (PMID: 22364217, 22863003, 25271372). Advanced modeling of protein sequence and biophysical properties (such as structural, functional, and spatial information, amino acid conservation, physicochemical variation, residue mobility, and thermodynamic stability) performed at Invitae indicates that this missense variant is expected to disrupt TERT protein function. ClinVar contains an entry for this variant (Variation ID: 39124). This missense change has been observed in individual(s) with idiopathic pulmonary fibrosis (PMID: 17460043, 20502709). This variant is not present in population databases (gnomAD no frequency). This sequence change replaces valine, which is neutral and non-polar, with methionine, which is neutral and non-polar, at codon 144 of the TERT protein (p.Val144Met).

Mayo Clinic Laboratories, Mayo Clinic
Classification: Pathogenic. Last evaluated: 2022-06-02. Review status: criteria provided, single submitter. Criteria: ACMG Guidelines, 2015. Collection method: clinical testing. Allele origin: germline. Observed: 2 variant alleles.
Comment: PP1, PM2, PS3, PS4

GeneDx
Classification: Pathogenic. Last evaluated: 2016-03-18. Review status: criteria provided, single submitter. Criteria: GeneDx Variant Classification (06012015). Collection method: clinical testing. Allele origin: germline. Affected: yes.
Comment: The V144M variant in the TERT gene has been published previously in association with familial pulmonary fibrosis and lung disease (Diaz et al., 2010; Tsakiri et al., 2007). The variant was not observed in approximately 6,100 individuals of European and African American ancestry in the NHLBI Exome Sequencing Project, indicating it is not a common benign variant in these populations. This substitution occurs at a position within the GQ motif of the TEN domain that is not conserved. However, functional studies have shown that while V144M does not affect activity of the TERT protein, it prevents localization of the protein to telomeres, resulting in telomere shortening (Zhong et al., 2012).

Garcia Pulmonary Genetics Research Laboratory, Columbia University Irving Medical Center
Classification: Likely risk allele for Pulmonary fibrosis. Last evaluated: 2022-06-09. Review status: no assertion criteria provided. Collection method: research. Allele origin: germline. Affected: yes. Not counted in ClinVar's aggregate classification.
Comment: Leukocyte telomere length (by qPCR) less than 10th percentile age-adjusted

GeneReviews
No classification provided. Condition: Interstitial lung disease 2. Review status: no classification provided. Collection method: literature only. Allele origin: unknown. Not counted in ClinVar's aggregate classification.

Literature cited by the submitters: PubMed 22364217 (cited by Labcorp Genetics (formerly Invitae), Labcorp); PubMed 22863003 (cited by Labcorp Genetics (formerly Invitae), Labcorp); PubMed 25271372 (cited by Labcorp Genetics (formerly Invitae), Labcorp); PubMed 17460043 (cited by Labcorp Genetics (formerly Invitae), Labcorp); PubMed 20502709 (cited by Labcorp Genetics (formerly Invitae), Labcorp); PubMed 20301779 (cited by GeneReviews); NCBI Bookshelf NBK22301 (cited by GeneReviews).

NM_198253.3(TERT):c.430G>A (p.Val144Met)

Gene: TERT (telomerase reverse transcriptase; minus strand). Cytogenetic location: 5p15.33.
Variant type: single nucleotide variant.
Coding change: c.430G>A on transcript NM_198253.3 (MANE Select); coding-DNA position 430, G replaced by A.
Protein change: p.Val144Met; replaces valine 144 with methionine.
Molecular consequence: missense variant. On other transcripts: non-coding transcript variant (2).
Genome position (GRCh38, 1-based): chr5:1,294,456, C>T on the plus strand (G>A on the coding strand, the complement: TERT is on the minus strand). VCF-style: chr5-1294456-C-T. GRCh37 (hg19) VCF-style: chr5-1294571-C-T.
Other names: p.Val144Met; c.430G>A, p.Val144Met (NM_001193376.3); short protein forms V144M.
Identifiers: ClinVar variation 39124 (VCV000039124.43), dbSNP rs199422291, ClinGen allele CA343461.